The following is an entry in ClinVar:

ClinVar aggregate classification (germline): Uncertain significance (1 of 4 stars; one submission).

Conditions:
Singleton-Merten syndrome 1 (SGMRT1). Also called: Syndrome of widened medullary cavities of the metacarpals and phalanges, aortic calcification and abnormal dentition; Widened medullary cavities of bone, aortic calcification, abnormal dentition, and muscular weakness. Identifiers: Orphanet 85191, MedGen C4225427, MONDO:0024535, OMIM 182250.
Aicardi-Goutieres syndrome 7 (AGS7). Identifiers: Orphanet 51, MedGen C3888244, MONDO:0014367, OMIM 615846.

gnomAD v4.1: 2 of 1,607,480 alleles (0.00012%); highest among the groups gnomAD compares: African/African-American, 0.0027%; no homozygotes.

Submission:

Labcorp Genetics (formerly Invitae), Labcorp
Classification: Uncertain significance for Aicardi-Goutieres syndrome 7; Singleton-Merten syndrome 1. Last evaluated: 2025-09-21. Review status: criteria provided, single submitter. Criteria: Invitae Variant Classification Sherloc (09022015). Collection method: clinical testing. Allele origin: germline.
Comment: This sequence change creates a premature translational stop signal (p.Glu140*) in the IFIH1 gene. It is expected to result in an absent or disrupted protein product. However, the current clinical and genetic evidence is not sufficient to establish whether loss-of-function variants in IFIH1 cause disease. This variant is not present in population databases (gnomAD no frequency). This variant has not been reported in the literature in individuals affected with IFIH1-related conditions. ClinVar contains an entry for this variant (Variation ID: 1484768). In summary, the available evidence is currently insufficient to determine the role of this variant in disease. Therefore, it has been classified as a Variant of Uncertain Significance.

NM_022168.4(IFIH1):c.418G>T (p.Glu140Ter)

Gene: IFIH1 (interferon induced with helicase C domain 1; minus strand). Cytogenetic location: 2q24.2.
Variant type: single nucleotide variant.
Coding change: c.418G>T on transcript NM_022168.4 (MANE Select); coding-DNA position 418, G replaced by T.
Protein change: p.Glu140Ter; replaces glutamic acid 140 with a stop codon.
Molecular consequence: nonsense.
Genome position (GRCh38, 1-based): chr2:162,317,890, C>A on the plus strand (G>T on the coding strand, the complement: IFIH1 is on the minus strand). VCF-style: chr2-162317890-C-A. GRCh37 (hg19) VCF-style: chr2-163174400-C-A.
Other names: short protein forms E140*.
Identifiers: ClinVar variation 1484768 (VCV001484768.6), dbSNP rs766508793, ClinGen allele CA349013355.